The following is an entry in ClinVar:

ClinVar aggregate classification (germline): Conflicting classifications of pathogenicity. Review status: criteria provided, conflicting classifications (1 of 4 stars). 7 submissions from 7 submitters: Uncertain significance (2); Likely benign (2). 3 of the submissions do not count toward it. Last evaluated 2025-12-16.

Conditions:
CDH3-related disorder. Also called: CDH3-related condition.
EEM syndrome (EEMS). Identifiers: Orphanet 1897, MedGen C1857041, MONDO:0009155, OMIM 225280.

Allele frequency attached by ClinVar (database versions not stated): 1000 Genomes Project 30x 0.00016; 1000 Genomes Project 0.00020; TOPMed 0.00105; gnomAD 0.00113 and 0.00118; ExAC 0.00126; gnomAD exomes 0.00134 and 0.00186; ESP Exome Variant Server 0.00185.
gnomAD v4.1: 2,865 of 1,614,102 alleles (0.18%); highest among the groups gnomAD compares: Non-Finnish European, 0.22%; 4 homozygotes.

Submissions (7):

Labcorp Genetics (formerly Invitae), Labcorp
Classification: Likely benign. Last evaluated: 2025-12-16. Review status: criteria provided, single submitter. Criteria: Invitae Variant Classification Sherloc (09022015). Collection method: clinical testing. Allele origin: germline.

Blueprint Genetics
Classification: Likely benign. Last evaluated: 2024-09-11. Review status: criteria provided, single submitter. Criteria: ACMG Guidelines, 2015. Collection method: clinical testing. Allele origin: germline.

Illumina Laboratory Services, Illumina
Classification: Uncertain significance for EEM syndrome. Last evaluated: 2018-01-13. Review status: criteria provided, single submitter. Criteria: ICSL Variant Classification Criteria 13 December 2019. Collection method: clinical testing. Allele origin: germline.

Eurofins Ntd Llc (ga)
Classification: Uncertain significance. Last evaluated: 2017-01-11. Review status: criteria provided, single submitter. Criteria: EGL Classification Definitions 2015. Collection method: clinical testing. Allele origin: germline. Observed: 1 variant allele, 1 heterozygote.

PreventionGenetics, part of Exact Sciences
Classification: Likely benign for CDH3-related condition. Last evaluated: 2022-05-06. Review status: no assertion criteria provided. Collection method: clinical testing. Allele origin: germline. Not counted in ClinVar's aggregate classification.
Comment: This variant is classified as likely benign based on ACMG/AMP sequence variant interpretation guidelines (Richards et al. 2015 PMID: 25741868, with internal and published modifications).

Clinical Genetics DNA and cytogenetics Diagnostics Lab, Erasmus MC, Erasmus Medical Center
Classification: Likely benign. Review status: no assertion criteria provided. Collection method: clinical testing. Allele origin: germline. Affected: yes. Study: VKGL Data-share Consensus. Not counted in ClinVar's aggregate classification.

Clinical Genetics, Academic Medical Center
Classification: Likely benign. Review status: no assertion criteria provided. Collection method: clinical testing. Allele origin: germline. Affected: yes. Study: VKGL Data-share Consensus. Not counted in ClinVar's aggregate classification.

NM_001793.6(CDH3):c.1681G>A (p.Val561Met)

Gene: CDH3 (cadherin 3; plus strand). Cytogenetic location: 16q22.1.
Variant type: single nucleotide variant.
Coding change: c.1681G>A on transcript NM_001793.6 (MANE Select); coding-DNA position 1681, G replaced by A.
Protein change: p.Val561Met; replaces valine 561 with methionine.
Molecular consequence: missense variant.
Genome position (GRCh38, 1-based): chr16:68,687,622, G>A. VCF-style: chr16-68687622-G-A. GRCh37 (hg19) VCF-style: chr16-68721525-G-A.
Other names: c.1681G>A, p.Val561Met (NM_001317195.3); c.1516G>A, p.Val506Met (NM_001317196.2); c.1681G>A (NM_001793.5); short protein forms V561M, V506M.
Identifiers: ClinVar variation 320244 (VCV000320244.24), dbSNP rs151198926, ClinGen allele CA8129438.